The following is an entry in ClinVar:

NM_005188.4(CBL):c.1522T>C (p.Cys508Arg)

Gene: CBL (Cbl proto-oncogene; plus strand). Cytogenetic location: 11q23.3.
Variant type: single nucleotide variant.
Coding change: c.1522T>C on transcript NM_005188.4 (MANE Select); coding-DNA position 1522, T replaced by C.
Protein change: p.Cys508Arg; replaces cysteine 508 with arginine.
Molecular consequence: missense variant.
Genome position (GRCh38, 1-based): chr11:119,285,059, T>C. VCF-style: chr11-119285059-T-C. GRCh37 (hg19) VCF-style: chr11-119155769-T-C.
Other names: c.1522T>C (NM_005188.2); short protein forms C508R.
Identifiers: ClinVar variation 3634393 (VCV003634393.3).

ClinVar aggregate classification (germline): Uncertain significance. Review status: criteria provided, multiple submitters, no conflicts (2 of 4 stars). 2 submissions from 2 submitters: Uncertain significance (2). Last evaluated 2026-03-14.

Conditions:
Cardiovascular phenotype. Identifiers: MedGen CN230736.
RASopathy. Also called: Noonan spectrum disorder; rasopathies. Identifiers: Orphanet 536391, MedGen C5555857, MONDO:0021060.

Submissions (2):

Ambry Genetics
Classification: Uncertain significance for Cardiovascular phenotype. Last evaluated: 2026-03-14. Review status: criteria provided, single submitter. Criteria: Ambry Variant Classification Scheme 2023. Collection method: clinical testing. Allele origin: germline.
Comment: The p.C508R variant (also known as c.1522T>C), located in coding exon 10 of the CBL gene, results from a T to C substitution at nucleotide position 1522. The cysteine at codon 508 is replaced by arginine, an amino acid with highly dissimilar properties. This amino acid position is conserved. In addition, this alteration is predicted to be tolerated by in silico analysis. Based on the available evidence, the clinical significance of this variant remains unclear.

Labcorp Genetics (formerly Invitae), Labcorp
Classification: Uncertain significance for RASopathy. Last evaluated: 2024-06-21. Review status: criteria provided, single submitter. Criteria: Invitae Variant Classification Sherloc (09022015). Collection method: clinical testing. Allele origin: germline.
Comment: This sequence change replaces cysteine, which is neutral and slightly polar, with arginine, which is basic and polar, at codon 508 of the CBL protein (p.Cys508Arg). This variant is not present in population databases (gnomAD no frequency). This variant has not been reported in the literature in individuals affected with CBL-related conditions. Advanced modeling of protein sequence and biophysical properties (such as structural, functional, and spatial information, amino acid conservation, physicochemical variation, residue mobility, and thermodynamic stability) performed at Invitae indicates that this missense variant is not expected to disrupt CBL protein function with a negative predictive value of 95%. In summary, the available evidence is currently insufficient to determine the role of this variant in disease. Therefore, it has been classified as a Variant of Uncertain Significance.